The following is an entry in ClinVar:

ClinVar aggregate classification (germline): Conflicting classifications of pathogenicity. Review status: criteria provided, conflicting classifications (1 of 4 stars). 9 submissions from 9 submitters: Uncertain significance (6); Likely benign (1). 2 of the submissions do not count toward it. Last evaluated 2025-12-15.

Conditions:
Juvenile polyposis syndrome (JPS). Identifiers: Orphanet 2929, MedGen C0345893, MONDO:0017380, OMIM 174900.
Hereditary cancer-predisposing syndrome. Also called: Tumor predisposition; Hereditary Cancer Syndrome; Hereditary neoplastic syndrome; Neoplastic Syndromes, Hereditary. Identifiers: Orphanet 140162, MedGen C0027672, MeSH D009386, MONDO:0015356.
Polyposis syndrome, hereditary mixed, 2. Identifiers: Orphanet 157794, MedGen C1864730, MONDO:0012405, OMIM 610069.

Allele frequency attached by ClinVar (database versions not stated): gnomAD exomes 0.00002; ExAC 0.00011.
gnomAD v4.1: 28 of 1,613,872 alleles (0.0017%); highest among the groups gnomAD compares: Non-Finnish European, 0.0022%; no homozygotes.

Submissions (9):

Labcorp Genetics (formerly Invitae), Labcorp
Classification: Uncertain significance for Juvenile polyposis syndrome. Last evaluated: 2025-12-15. Review status: criteria provided, single submitter. Criteria: Invitae Variant Classification Sherloc (09022015). Collection method: clinical testing. Allele origin: germline.
Comment: This sequence change replaces glutamine, which is neutral and polar, with arginine, which is basic and polar, at codon 304 of the BMPR1A protein (p.Gln304Arg). The frequency data for this variant in the population databases is considered unreliable, as metrics indicate poor data quality at this position in the gnomAD database. This variant has not been reported in the literature in individuals affected with BMPR1A-related conditions. ClinVar contains an entry for this variant (Variation ID: 182068). Invitae Evidence Modeling of protein sequence and biophysical properties (such as structural, functional, and spatial information, amino acid conservation, physicochemical variation, residue mobility, and thermodynamic stability) indicates that this missense variant is not expected to disrupt BMPR1A protein function with a negative predictive value of 80%. In summary, the available evidence is currently insufficient to determine the role of this variant in disease. Therefore, it has been classified as a Variant of Uncertain Significance.

Color Diagnostics, LLC DBA Color Health
Classification: Uncertain significance for Hereditary cancer-predisposing syndrome. Last evaluated: 2025-06-23. Review status: criteria provided, single submitter. Criteria: ACMG Guidelines, 2015. Collection method: clinical testing. Allele origin: germline.
Comment: This missense variant replaces glutamine with arginine at codon 304 of the BMPR1A protein. Computational prediction suggests that this variant may not impact protein structure and function. To our knowledge, functional studies have not been reported for this variant. This variant has not been reported in individuals affected with BMPR1A-related disorders in the literature. This variant has been identified in 5/250880 chromosomes in the general population by the Genome Aggregation Database (gnomAD). The available evidence is insufficient to determine the role of this variant in disease conclusively. Therefore, this variant is classified as a Variant of Uncertain Significance.

Baylor Genetics
Classification: Uncertain significance for Polyposis syndrome, hereditary mixed, 2. Last evaluated: 2024-02-07. Review status: criteria provided, single submitter. Criteria: ACMG Guidelines, 2015. Collection method: clinical testing. Allele origin: unknown.

All of Us Research Program, National Institutes of Health
Classification: Uncertain significance for Juvenile polyposis syndrome. Last evaluated: 2024-01-11. Review status: criteria provided, single submitter. Criteria: ACMG Guidelines, 2015. Collection method: clinical testing. Allele origin: germline. Inheritance: Autosomal dominant inheritance. Observed: 4 variant alleles, 4 heterozygotes.
Comment: This missense variant replaces glutamine with arginine at codon 304 of the BMPR1A protein. Computational prediction suggests that this variant may not impact protein structure and function (internally defined REVEL score threshold <= 0.5, PMID: 27666373). To our knowledge, functional studies have not been reported for this variant. This variant has not been reported in individuals affected with BMPR1A-related disorders in the literature. This variant has been identified in 5/250880 chromosomes in the general population by the Genome Aggregation Database (gnomAD). The available evidence is insufficient to determine the role of this variant in disease conclusively. Therefore, this variant is classified as a Variant of Uncertain Significance.

This study involves interpretation of variants in research participants for the purpose of population health screening. Participant phenotype was not available at the time of variant classification. Additional details can be found in publication PMID: 35346344, PMCID: PMC8962531

Myriad Genetics, Inc.
Classification: Uncertain significance for Juvenile polyposis syndrome. Last evaluated: 2023-03-02. Review status: criteria provided, single submitter. Criteria: Myriad Autosomal Dominant, Autosomal Recessive and X-Linked Classification Criteria (2023). Collection method: clinical testing. Allele origin: unknown.
Comment: This variant is classified as a variant of uncertain significance as there is insufficient evidence to determine its impact on protein function and/or cancer risk.

Ambry Genetics
Classification: Likely benign for Hereditary cancer-predisposing syndrome. Last evaluated: 2021-07-28. Review status: criteria provided, single submitter. Criteria: Ambry Variant Classification Scheme 2023. Collection method: clinical testing. Allele origin: germline.

GeneDx
Classification: Uncertain significance. Last evaluated: 2015-05-11. Review status: criteria provided, single submitter. Criteria: GeneDx Variant Classification (06012015). Collection method: clinical testing. Allele origin: germline. Affected: yes.
Comment: This variant is denoted BMPR1A c.911A>G at the cDNA level, p.Gln304Arg (Q304R) at the protein level, and results in the change of a Glutamine to an Arginine (CAG>CGG). This variant has not, to our knowledge, been published in the literature as pathogenic or benign. BMPR1A Gln304Arg was not observed in approximately 6,500 individuals of European and African American ancestry in the NHLBI Exome Sequencing Project, indicating it is not a common benign variant in these populations. Since Glutamine and Arginine differ in some properties, this is considered a semi-conservative amino acid substitution. BMPR1A Gln304Arg occurs at a position that is well conserved across species and is located within the MH1 domain (Howe 2004). In silico analyses are inconsistent regarding the effect this variant may have on protein structure and function. Based on currently available information, it is unclear whether BMPR1A Gln304Arg is pathogenic or benign. We consider it to be a variant of uncertain significance.

Counsyl
Classification: Uncertain significance for Juvenile polyposis syndrome. Last evaluated: 2015-12-18. Review status: no assertion criteria provided. Collection method: clinical testing. Allele origin: unknown. Not counted in ClinVar's aggregate classification.

Mayo Clinic Laboratories, Mayo Clinic
Classification: Uncertain significance. Review status: no assertion criteria provided. Collection method: clinical testing. Allele origin: unknown. Not counted in ClinVar's aggregate classification.

Literature cited by the submitters: PubMed 25530832 (cited by Counsyl).

NM_004329.3(BMPR1A):c.911A>G (p.Gln304Arg)

Gene: BMPR1A (bone morphogenetic protein receptor type 1A; plus strand). Cytogenetic location: 10q23.2.
Variant type: single nucleotide variant.
Coding change: c.911A>G on transcript NM_004329.3 (MANE Select); coding-DNA position 911, A replaced by G.
Protein change: p.Gln304Arg; replaces glutamine 304 with arginine.
Molecular consequence: missense variant.
Genome position (GRCh38, 1-based): chr10:86,919,214, A>G. VCF-style: chr10-86919214-A-G. GRCh37 (hg19) VCF-style: chr10-88678971-A-G.
Other names: p.Q304R:CAG>CGG; short protein forms Q304R.
Identifiers: ClinVar variation 182068 (VCV000182068.23), dbSNP rs730881434, ClinGen allele CA298517.